The following is an entry in ClinVar:

NM_000083.3(CLCN1):c.905A>G (p.Tyr302Cys)

Gene: CLCN1 (chloride voltage-gated channel 1; plus strand). Cytogenetic location: 7q34.
Variant type: single nucleotide variant.
Coding change: c.905A>G on transcript NM_000083.3 (MANE Select); coding-DNA position 905, A replaced by G.
Protein change: p.Tyr302Cys; replaces tyrosine 302 with cysteine.
Molecular consequence: missense variant. On other transcripts: non-coding transcript variant (1).
Genome position (GRCh38, 1-based): chr7:143,330,823, A>G. VCF-style: chr7-143330823-A-G. GRCh37 (hg19) VCF-style: chr7-143027916-A-G.
Other names: short protein forms Y302C.
Identifiers: ClinVar variation 585695 (VCV000585695.8), dbSNP rs1563078716, ClinGen allele CA369641591.

ClinVar aggregate classification (germline): Conflicting classifications of pathogenicity. Review status: criteria provided, conflicting classifications (1 of 4 stars). 4 submissions from 4 submitters: Likely pathogenic (2); Uncertain significance (2). Last evaluated 2023-03-11.

Conditions:
Congenital myotonia, autosomal dominant form (THD). Also called: THOMSEN DISEASE; Myotonia congenita autosomal dominant. Identifiers: Orphanet 614, MedGen C2936781, MONDO:0008055, OMIM 160800.
Congenital myotonia, autosomal recessive form. Also called: BECKER DISEASE; Becker Generalized Myotonia; myotonia congenita, autosomal recessive. Identifiers: Orphanet 614, MedGen C0751360, MONDO:0009715, OMIM 255700.

Allele frequency attached by ClinVar (database versions not stated): gnomAD exomes 0.00001.
gnomAD v4.1: 3 of 1,614,202 alleles (0.00019%); highest among the groups gnomAD compares: Non-Finnish European, 0.00025%; no homozygotes.

Submissions (4):

Labcorp Genetics (formerly Invitae), Labcorp
Classification: Likely pathogenic for Congenital myotonia, autosomal recessive form; Congenital myotonia, autosomal dominant form. Last evaluated: 2023-03-11. Review status: criteria provided, single submitter. Criteria: Invitae Variant Classification Sherloc (09022015). Collection method: clinical testing. Allele origin: germline.
Comment: This sequence change replaces tyrosine, which is neutral and polar, with cysteine, which is neutral and slightly polar, at codon 302 of the CLCN1 protein (p.Tyr302Cys). This variant is not present in population databases (gnomAD no frequency). This missense change has been observed in individual(s) with clinical features of CLCN1-related conditions (PMID: 24349310). ClinVar contains an entry for this variant (Variation ID: 585695). Advanced modeling of protein sequence and biophysical properties (such as structural, functional, and spatial information, amino acid conservation, physicochemical variation, residue mobility, and thermodynamic stability) performed at Invitae indicates that this missense variant is expected to disrupt CLCN1 protein function. This variant disrupts the p.Tr302 amino acid residue in CLCN1. Other variant(s) that disrupt this residue have been determined to be pathogenic (PMID: 22094069). This suggests that this residue is clinically significant, and that variants that disrupt this residue are likely to be disease-causing. In summary, the currently available evidence indicates that the variant is pathogenic, but additional data are needed to prove that conclusively. Therefore, this variant has been classified as Likely Pathogenic.

Revvity Omics, Revvity
Classification: Uncertain significance. Last evaluated: 2021-05-11. Review status: criteria provided, single submitter. Criteria: ACMG Guidelines, 2015. Collection method: clinical testing. Allele origin: germline.

Athena Diagnostics
Classification: Uncertain significance. Last evaluated: 2018-02-13. Review status: criteria provided, single submitter. Criteria: Athena Diagnostics Criteria. Collection method: clinical testing. Allele origin: germline.

Department Of Human Genetics, Institute Of Clinical And Translational Research, Biomedical Research Center, Slovak Academy Of Sciences
Classification: Likely pathogenic for Congenital myotonia, autosomal recessive form; Congenital myotonia, autosomal dominant form. Review status: criteria provided, single submitter. Criteria: ACMG Guidelines, 2015. Collection method: research. Allele origin: germline. Inheritance: Autosomal unknown. Affected: yes. Observed: 4 variant alleles.
Comment: The c.905A>G (p.(Tyr302Cys)) variant was found in a heterozygous state in 4 Slovak patients with Myotonia congenita, and it was always present in cis with another variant c.1295C>G, p.(Thr432Arg), as already pointed by Skálová et al. 2013 (PMID: 24349310). In two of these patients also other Likely Pathogenic variants were found in the trans position, namely c.2364+2T>C and c.1471+1G>A. The c.905A>G variant is listed as a disease-causing in the HGMD database (CM1313401). GnomAD Exomes Version: 4.0 indicates the frequency of f = 0.00000477.

Literature cited by the submitters: PubMed 24349310 (cited by 3 submitters); PubMed 22094069 (cited by Labcorp Genetics (formerly Invitae), Labcorp).